The following is an entry in ClinVar:

ClinVar aggregate classification (germline): Conflicting classifications of pathogenicity. Review status: criteria provided, conflicting classifications (1 of 4 stars). 2 submissions from 2 submitters: Uncertain significance (1); Likely benign (1). Last evaluated 2026-07-30.

Conditions:
Hereditary cancer-predisposing syndrome. Also called: Hereditary Cancer Syndrome; Tumor predisposition; Neoplastic Syndromes, Hereditary; Hereditary neoplastic syndrome. Identifiers: Orphanet 140162, MedGen C0027672, MeSH D009386, MONDO:0015356.
Tuberous sclerosis 1 (TSC1). Identifiers: Orphanet 805, MedGen C1854465, MONDO:0008612, OMIM 191100.

Submissions (2):

Ambry Genetics
Classification: Likely benign for Hereditary cancer-predisposing syndrome. Last evaluated: 2026-07-30. Review status: criteria provided, single submitter. Criteria: Ambry Variant Classification Scheme 2023. Collection method: clinical testing. Allele origin: germline.

Labcorp Genetics (formerly Invitae), Labcorp
Classification: Uncertain significance for Tuberous sclerosis 1. Last evaluated: 2023-09-01. Review status: criteria provided, single submitter. Criteria: Invitae Variant Classification Sherloc (09022015). Collection method: clinical testing. Allele origin: germline.
Comment: Advanced modeling of protein sequence and biophysical properties (such as structural, functional, and spatial information, amino acid conservation, physicochemical variation, residue mobility, and thermodynamic stability) performed at Invitae indicates that this missense variant is not expected to disrupt TSC1 protein function. This variant has not been reported in the literature in individuals affected with TSC1-related conditions. ClinVar contains an entry for this variant (Variation ID: 1489059). In summary, the available evidence is currently insufficient to determine the role of this variant in disease. Therefore, it has been classified as a Variant of Uncertain Significance. This variant is not present in population databases (gnomAD no frequency). This sequence change replaces histidine, which is basic and polar, with arginine, which is basic and polar, at codon 1014 of the TSC1 protein (p.His1014Arg).

NM_000368.5(TSC1):c.3041A>G (p.His1014Arg)

Gene: TSC1 (TSC complex subunit 1; minus strand). Cytogenetic location: 9q34.13.
Variant type: single nucleotide variant.
Coding change: c.3041A>G on transcript NM_000368.5 (MANE Select); coding-DNA position 3041, A replaced by G.
Protein change: p.His1014Arg; replaces histidine 1014 with arginine.
Molecular consequence: missense variant.
Genome position (GRCh38, 1-based): chr9:132,896,689, T>C on the plus strand (A>G on the coding strand, the complement: TSC1 is on the minus strand). VCF-style: chr9-132896689-T-C. GRCh37 (hg19) VCF-style: chr9-135772076-T-C.
Other names: c.3038A>G, p.His1013Arg (NM_001162426.2); c.2888A>G, p.His963Arg (NM_001162427.2); c.2678A>G, p.His893Arg (NM_001362177.2); short protein forms H1014R, H893R, H963R, H1013R.
Identifiers: ClinVar variation 1489059 (VCV001489059.11), dbSNP rs2131613922, ClinGen allele CA375367755.